The following is an entry in ClinVar:

ClinVar aggregate classification (germline): Uncertain significance (1 of 4 stars; one submission).

Conditions:
Renal cell carcinoma. Identifiers: Orphanet 217071, MedGen C0007134, MeSH D002292, MONDO:0005086, HP:0005584.

Allele frequency attached by ClinVar (database versions not stated): gnomAD exomes below 0.00001 and 0.00001; ExAC 0.00002.
gnomAD v4.1: 6 of 1,614,006 alleles (0.00037%); highest among the groups gnomAD compares: South Asian, 0.0044%; no homozygotes.

Submission:

Labcorp Genetics (formerly Invitae), Labcorp
Classification: Uncertain significance for Renal cell carcinoma. Last evaluated: 2023-09-19. Review status: criteria provided, single submitter. Criteria: Invitae Variant Classification Sherloc (09022015). Collection method: clinical testing. Allele origin: germline.
Comment: ClinVar contains an entry for this variant (Variation ID: 842804). This variant has not been reported in the literature in individuals affected with MET-related conditions. This variant is present in population databases (rs777336138, gnomAD 0.01%). This sequence change replaces isoleucine, which is neutral and non-polar, with valine, which is neutral and non-polar, at codon 52 of the MET protein (p.Ile52Val). Advanced modeling of protein sequence and biophysical properties (such as structural, functional, and spatial information, amino acid conservation, physicochemical variation, residue mobility, and thermodynamic stability) performed at Invitae indicates that this missense variant is not expected to disrupt MET protein function. In summary, the available evidence is currently insufficient to determine the role of this variant in disease. Therefore, it has been classified as a Variant of Uncertain Significance.

NM_000245.4(MET):c.154A>G (p.Ile52Val)

Gene: MET (MET proto-oncogene, receptor tyrosine kinase; plus strand). Cytogenetic location: 7q31.2.
Variant type: single nucleotide variant.
Coding change: c.154A>G on transcript NM_000245.4 (MANE Select); coding-DNA position 154, A replaced by G.
Protein change: p.Ile52Val; replaces isoleucine 52 with valine.
Molecular consequence: missense variant. On other transcripts: intron variant (1).
Genome position (GRCh38, 1-based): chr7:116,699,238, A>G. VCF-style: chr7-116699238-A-G. GRCh37 (hg19) VCF-style: chr7-116339292-A-G.
Other names: c.154A>G, p.Ile52Val (NM_001127500.3, NM_001324401.3); c.-91+26661A>G (NM_001324402.2); short protein forms I52V.
Identifiers: ClinVar variation 842804 (VCV000842804.9), dbSNP rs777336138, ClinGen allele CA4447950.